The following is an entry in ClinVar:

NM_001040108.2(MLH3):c.1002C>T (p.Asp334=)

Gene: MLH3 (mutL homolog 3; minus strand). Cytogenetic location: 14q24.3.
Variant type: single nucleotide variant.
Coding change: c.1002C>T on transcript NM_001040108.2 (MANE Select); coding-DNA position 1002, C replaced by T.
Protein change: p.Asp334=; no amino-acid change (aspartic acid 334 retained).
Molecular consequence: synonymous variant.
Genome position (GRCh38, 1-based): chr14:75,048,654, G>A on the plus strand (C>T on the coding strand, the complement: MLH3 is on the minus strand). VCF-style: chr14-75048654-G-A. GRCh37 (hg19) VCF-style: chr14-75515357-G-A.
Other names: c.1002C>T, p.Asp334= (NM_014381.3).
Identifiers: ClinVar variation 696907 (VCV000696907.15), dbSNP rs764046706, ClinGen allele CA7275935.
Genomic context (GRCh38, chr14:75,048,654, plus strand): 5'-AAATAATTTTTCTTGCTTTAAAAACATTTTCACTCCTTCCTGAATGCAAAACAAGAGAGT[G>A]TCCCAGTTCTGAAATTCAATCAGAGTTTTGGCTGGCTCCATGCACACATCATACTCACAG-3'
Protein context (NP_001035197.1, residues 324-344): AKTLIEFQNW[Asp334=]TLLFCIQEGV

ClinVar aggregate classification (germline): Benign/Likely benign. Review status: criteria provided, multiple submitters, no conflicts (2 of 4 stars). 4 submissions from 4 submitters: Benign (1); Likely benign (3). Last evaluated 2026-04-29.

Conditions:
Endometrial carcinoma. Also called: Endometrial carcinoma, somatic. Identifiers: MedGen C0476089, MONDO:0002447, OMIM 608089, HP:0012114.
Colorectal cancer, hereditary nonpolyposis, type 7. Identifiers: Orphanet 144, MedGen C1858380, MONDO:0013725, OMIM 614385.
Colorectal cancer. Also called: Colorectal cancer, somatic; Malignant Colorectal Neoplasm. Identifiers: MedGen C0346629, MONDO:0005575, OMIM 114500.

Allele frequency attached by ClinVar (database versions not stated): ExAC 0.00003; TOPMed 0.00005; gnomAD exomes 0.00002 and 0.00003; gnomAD 0.00001.
gnomAD v4.1: 31 of 1,613,994 alleles (0.0019%); highest among the groups gnomAD compares: Middle Eastern, 0.033%; no homozygotes.

Submissions (4):

Myriad Genetics, Inc.
Classification: Benign for Colorectal cancer, hereditary nonpolyposis, type 7. Last evaluated: 2026-04-29. Review status: criteria provided, single submitter. Criteria: Myriad Autosomal Dominant, Autosomal Recessive and X-Linked Classification Criteria (2023). Collection method: clinical testing. Allele origin: unknown.
Comment: This variant is considered benign. This variant is a silent/synonymous amino acid change and it is not expected to impact splicing.

Labcorp Genetics (formerly Invitae), Labcorp
Classification: Likely benign for Colorectal cancer, hereditary nonpolyposis, type 7. Last evaluated: 2025-10-08. Review status: criteria provided, single submitter. Criteria: Invitae Variant Classification Sherloc (09022015). Collection method: clinical testing. Allele origin: germline.

Department of Pathology and Laboratory Medicine, Sinai Health System
Classification: Likely benign for Colorectal cancer; Endometrial carcinoma; Colorectal cancer, hereditary nonpolyposis, type 7. Last evaluated: 2022-03-21. Review status: criteria provided, single submitter. Criteria: ACMG Guidelines, 2015. Collection method: clinical testing. Allele origin: germline. Affected: yes.

Ambry Genetics
Classification: Likely benign. Last evaluated: 2020-09-17. Review status: criteria provided, single submitter. Criteria: Ambry Variant Classification Scheme 2023. Collection method: clinical testing. Allele origin: germline.